The following is an entry in ClinVar:

NM_001035.3(RYR2):c.13718G>A (p.Arg4573His)

Gene: RYR2 (ryanodine receptor 2; plus strand). Cytogenetic location: 1q43.
Variant type: single nucleotide variant.
Coding change: c.13718G>A on transcript NM_001035.3 (MANE Select); coding-DNA position 13718, G replaced by A.
Protein change: p.Arg4573His; replaces arginine 4573 with histidine.
Molecular consequence: missense variant.
Genome position (GRCh38, 1-based): chr1:237,792,259, G>A. VCF-style: chr1-237792259-G-A. GRCh37 (hg19) VCF-style: chr1-237955559-G-A.
Other names: c.13718G>A, p.Arg4573His (LRG_402t1); short protein forms R4573H.
Identifiers: ClinVar variation 296764 (VCV000296764.30), dbSNP rs371157286, ClinGen allele CA085440.

ClinVar aggregate classification (germline): Conflicting classifications of pathogenicity. Review status: criteria provided, conflicting classifications (1 of 4 stars). 10 submissions from 9 submitters: Uncertain significance (8); Likely benign (2). Last evaluated 2025-12-20.

Conditions:
Catecholaminergic polymorphic ventricular tachycardia 1. Also called: VENTRICULAR TACHYCARDIA, CATECHOLAMINERGIC POLYMORPHIC, 1, WITH OR WITHOUT ATRIAL DYSFUNCTION AND/OR DILATED CARDIOMYOPATHY; RYR2-Related Catecholaminergic Polymorphic Ventricular Tachycardia; VENTRICULAR TACHYCARDIA, STRESS-INDUCED POLYMORPHIC 1. Identifiers: Orphanet 3286, MedGen C1631597, MONDO:0011484, OMIM 604772.
Arrhythmogenic right ventricular dysplasia 2. Identifiers: MedGen C1832931.
Ventricular arrhythmias due to cardiac ryanodine receptor calcium release deficiency syndrome. Also called: Autosomal dominant cardiac arrhythmia (Kuhn). Identifiers: MedGen C5542154, MONDO:0020745, OMIM 115000.
Catecholaminergic polymorphic ventricular tachycardia (CVPT). Also called: Catecholamine-induced polymorphic ventricular tachycardia. Identifiers: Orphanet 3286, MedGen C5574922, MONDO:0017990.
Cardiomyopathy (CMYO). Also called: Cardiomyopathies. Identifiers: Orphanet 167848, MedGen C0878544, MONDO:0004994, HP:0001638. Inheritance: Various modes of inheritance.
Cardiovascular phenotype. Identifiers: MedGen CN230736.

Allele frequency attached by ClinVar (database versions not stated): ExAC 0.00001; gnomAD 0.00007 and 0.00008; ESP Exome Variant Server 0.00008; TOPMed 0.00008.
gnomAD v4.1: 68 of 1,613,638 alleles (0.0042%); highest among the groups gnomAD compares: Middle Eastern, 0.033%; 1 homozygote.

Submissions (10):

Labcorp Genetics (formerly Invitae), Labcorp
Classification: Likely benign for Catecholaminergic polymorphic ventricular tachycardia 1. Last evaluated: 2025-12-20. Review status: criteria provided, single submitter. Criteria: Invitae Variant Classification Sherloc (09022015). Collection method: clinical testing. Allele origin: germline.

Color Diagnostics, LLC DBA Color Health
Classification: Uncertain significance for Cardiomyopathy. Last evaluated: 2025-06-20. Review status: criteria provided, single submitter. Criteria: ACMG Guidelines, 2015. Collection method: clinical testing. Allele origin: germline.
Comment: This missense variant replaces arginine with histidine at codon 4573 of the RYR2 protein. Computational prediction tool is inconclusive regarding the impact of this variant on protein structure and function. To our knowledge, functional studies have not been reported for this variant. This variant has been reported in an individual affected with sudden cardiac death (PMID: 33919104). This variant has been identified in 8/280074 chromosomes in the general population by the Genome Aggregation Database (gnomAD). The available evidence is insufficient to determine the role of this variant in disease conclusively. Therefore, this variant is classified as a Variant of Uncertain Significance.

All of Us Research Program, National Institutes of Health
Classification: Uncertain significance for Catecholaminergic polymorphic ventricular tachycardia. Last evaluated: 2024-09-23. Review status: criteria provided, single submitter. Criteria: ACMG Guidelines, 2015. Collection method: clinical testing. Allele origin: germline. Inheritance: Autosomal dominant inheritance. Observed: 14 variant alleles, 14 heterozygotes.
Comment: This missense variant replaces arginine with histidine at codon 4573 of the RYR2 protein. Computational prediction is inconclusive regarding the impact of this variant on protein structure and function (internally defined REVEL score threshold 0.5 < inconclusive < 0.7, PMID: 27666373). To our knowledge, functional studies have not been reported for this variant. This variant has not been reported in individuals affected with cardiovascular disorders in the literature. This variant has been identified in 8/280074 chromosomes in the general population by the Genome Aggregation Database (gnomAD). The available evidence is insufficient to determine the role of this variant in disease conclusively. Therefore, this variant is classified as a Variant of Uncertain Significance.

This study involves interpretation of variants in research participants for the purpose of population health screening. Participant phenotype was not available at the time of variant classification. Additional details can be found in publication PMID: 35346344, PMCID: PMC8962531

Blueprint Genetics
Classification: Likely benign. Last evaluated: 2024-09-20. Review status: criteria provided, single submitter. Criteria: ACMG Guidelines, 2015. Collection method: clinical testing. Allele origin: germline.

Ambry Genetics
Classification: Uncertain significance for Cardiovascular phenotype. Last evaluated: 2023-12-08. Review status: criteria provided, single submitter. Criteria: Ambry Variant Classification Scheme 2023. Collection method: clinical testing. Allele origin: germline.
Comment: The p.R4573H variant (also known as c.13718G>A), located in coding exon 94 of the RYR2 gene, results from a G to A substitution at nucleotide position 13718. The arginine at codon 4573 is replaced by histidine, an amino acid with highly similar properties. This variant co-occurred with other variants in cardiac-related genes in an individual from a sudden death cohort (Iglesias M et al. J Clin Med, 2021 Apr;10). This amino acid position is well conserved in available vertebrate species. In addition, this alteration is predicted to be deleterious by in silico analysis. Since supporting evidence is limited at this time, the clinical significance of this alteration remains unclear.

MGZ Medical Genetics Center
Classification: Uncertain significance for Catecholaminergic polymorphic ventricular tachycardia 1. Last evaluated: 2021-11-04. Review status: criteria provided, single submitter. Criteria: ACMG Guidelines, 2015. Collection method: clinical testing. Allele origin: germline. Affected: yes. Observed: 1 variant allele.
Comment: ACMG criteria applied: PP3

Fulgent Genetics
Classification: Uncertain significance for Ventricular arrhythmias due to cardiac ryanodine receptor calcium release deficiency syndrome; Catecholaminergic polymorphic ventricular tachycardia 1. Last evaluated: 2021-09-23. Review status: criteria provided, single submitter. Criteria: ACMG Guidelines, 2015. Collection method: clinical testing. Allele origin: unknown.

GeneDx
Classification: Uncertain significance. Last evaluated: 2020-02-04. Review status: criteria provided, single submitter. Criteria: GeneDx Variant Classification Process June 2021. Collection method: clinical testing. Allele origin: germline. Affected: yes.
Comment: Has not been previously published as pathogenic or benign to our knowledge; Reported in ClinVar as a variant of uncertain significance (ClinVar Variant ID# 296764; Landrum et al., 2016); In silico analysis supports that this missense variant has a deleterious effect on protein structure/function; Located in one of the three hot-spot regions of the RYR2 gene, where the majority of pathogenic missense variants occur (Medeiros-Domingo et al., 2009)

Illumina Laboratory Services, Illumina
Classification: Uncertain significance for Catecholaminergic polymorphic ventricular tachycardia 1. Last evaluated: 2018-01-12. Review status: criteria provided, single submitter. Criteria: ICSL Variant Classification Criteria 13 December 2019. Collection method: clinical testing. Allele origin: germline.

Illumina Laboratory Services, Illumina
Classification: Uncertain significance for Catecholaminergic polymorphic ventricular tachycardia 1. Last evaluated: 2018-01-12. Review status: criteria provided, single submitter. Criteria: ICSL Variant Classification Criteria 13 December 2019. Collection method: clinical testing. Allele origin: germline.

Literature cited by the submitters: PubMed 33919104 (cited by Color Diagnostics, LLC DBA Color Health and Ambry Genetics).